The following is an entry in ClinVar:

NM_002439.5(MSH3):c.398C>T (p.Ser133Phe)

Gene: MSH3 (mutS homolog 3; plus strand). Cytogenetic location: 5q14.1.
Variant type: single nucleotide variant.
Coding change: c.398C>T on transcript NM_002439.5 (MANE Select); coding-DNA position 398, C replaced by T.
Protein change: p.Ser133Phe; replaces serine 133 with phenylalanine.
Molecular consequence: missense variant.
Genome position (GRCh38, 1-based): chr5:80,665,182, C>T. VCF-style: chr5-80665182-C-T. GRCh37 (hg19) VCF-style: chr5-79961001-C-T.
Other names: short protein forms S133F.
Identifiers: ClinVar variation 1001694 (VCV001001694.8), dbSNP rs1258553784, ClinGen allele CA360263143.
Genomic context (GRCh38, chr5:80,665,182, plus strand): 5'-TCTTCTTATTTGCTGCCTAAGAGCCAAAGAAATGTCTGAGGACCAGGAATGTTTCAAAGT[C>T]TCTGGAAAAATTGAAAGAATTCTGCTGCGATTCTGCCCTTCCTCAAAGTAGAGTCCAGAC-3'
Protein context (NP_002430.3, residues 123-143): KCLRTRNVSK[Ser133Phe]LEKLKEFCCD

ClinVar aggregate classification (germline): Uncertain significance (1 of 4 stars; one submission).

Submission:

Labcorp Genetics (formerly Invitae), Labcorp
Classification: Uncertain significance. Last evaluated: 2020-04-23. Review status: criteria provided, single submitter. Criteria: Invitae Variant Classification Sherloc (09022015). Collection method: clinical testing. Allele origin: germline.
Comment: This sequence change replaces serine with phenylalanine at codon 133 of the MSH3 protein (p.Ser133Phe). The serine residue is moderately conserved and there is a large physicochemical difference between serine and phenylalanine. This variant is not present in population databases (ExAC no frequency). In summary, the available evidence is currently insufficient to determine the role of this variant in disease. Therefore, it has been classified as a Variant of Uncertain Significance. Algorithms developed to predict the effect of missense changes on protein structure and function are either unavailable or do not agree on the potential impact of this missense change (SIFT: "Deleterious"; PolyPhen-2: "Possibly Damaging"; Align-GVGD: "Class C0"). This variant has not been reported in the literature in individuals with MSH3-related conditions.